The following is an entry in ClinVar:

ClinVar aggregate classification (germline): Uncertain significance (1 of 4 stars; one submission).

gnomAD v4.1: 2 of 1,613,436 alleles (0.00012%); highest among the groups gnomAD compares: Non-Finnish European, 0.00017%; no homozygotes.

Submission:

Labcorp Genetics (formerly Invitae), Labcorp
Classification: Uncertain significance. Last evaluated: 2024-12-20. Review status: criteria provided, single submitter. Criteria: Invitae Variant Classification Sherloc (09022015). Collection method: clinical testing. Allele origin: germline.
Comment: This sequence change replaces arginine, which is basic and polar, with lysine, which is basic and polar, at codon 1227 of the COL11A1 protein (p.Arg1227Lys). This variant is not present in population databases (gnomAD no frequency). This variant has not been reported in the literature in individuals affected with COL11A1-related conditions. Invitae Evidence Modeling of protein sequence and biophysical properties (such as structural, functional, and spatial information, amino acid conservation, physicochemical variation, residue mobility, and thermodynamic stability) indicates that this missense variant is not expected to disrupt COL11A1 protein function with a negative predictive value of 80%. In summary, the available evidence is currently insufficient to determine the role of this variant in disease. Therefore, it has been classified as a Variant of Uncertain Significance.

NM_001854.4(COL11A1):c.3680G>A (p.Arg1227Lys)

Gene: COL11A1 (collagen type XI alpha 1 chain; minus strand). Cytogenetic location: 1p21.1.
Variant type: single nucleotide variant.
Coding change: c.3680G>A on transcript NM_001854.4 (MANE Select); coding-DNA position 3680, G replaced by A.
Protein change: p.Arg1227Lys; replaces arginine 1227 with lysine.
Molecular consequence: missense variant. On other transcripts: non-coding transcript variant (1).
Genome position (GRCh38, 1-based): chr1:102,921,546, C>T on the plus strand (G>A on the coding strand, the complement: COL11A1 is on the minus strand). VCF-style: chr1-102921546-C-T. GRCh37 (hg19) VCF-style: chr1-103387102-C-T.
Other names: c.3563G>A, p.Arg1188Lys (NM_001190709.2); c.3716G>A, p.Arg1239Lys (NM_080629.3); c.3332G>A, p.Arg1111Lys (NM_080630.4); short protein forms R1111K, R1188K, R1227K, R1239K.
Identifiers: ClinVar variation 3621183 (VCV003621183.2).